The following is an entry in ClinVar:

NM_003571.4(BFSP2):c.458T>A (p.Leu153Gln)

Gene: BFSP2 (beaded filament structural protein 2; plus strand). Cytogenetic location: 3q22.1.
Variant type: single nucleotide variant.
Coding change: c.458T>A on transcript NM_003571.4 (MANE Select); coding-DNA position 458, T replaced by A.
Protein change: p.Leu153Gln; replaces leucine 153 with glutamine.
Molecular consequence: missense variant.
Genome position (GRCh38, 1-based): chr3:133,400,541, T>A. VCF-style: chr3-133400541-T-A. GRCh37 (hg19) VCF-style: chr3-133119385-T-A.
Other names: short protein forms L153Q.
Identifiers: ClinVar variation 2530179 (VCV002530179.6), dbSNP rs142404860, ClinGen allele CA2623254.

ClinVar aggregate classification (germline): Uncertain significance. Review status: criteria provided, multiple submitters, no conflicts (2 of 4 stars). 2 submissions from 2 submitters: Uncertain significance (2). Last evaluated 2025-09-28.

Conditions:
Cataract 12 multiple types. Identifiers: Orphanet 91492, MedGen C3808115, MONDO:0012701, OMIM 611597.

Allele frequency attached by ClinVar (database versions not stated): gnomAD 0.00010; gnomAD exomes 0.00011; TOPMed 0.00011; ESP Exome Variant Server 0.00038; ExAC 0.00044.
gnomAD v4.1: 178 of 1,611,888 alleles (0.011%); highest among the groups gnomAD compares: Non-Finnish European, 0.014%; no homozygotes.

Submissions (2):

Ambry Genetics
Classification: Uncertain significance. Last evaluated: 2025-09-28. Review status: criteria provided, single submitter. Criteria: Ambry Variant Classification Scheme 2023. Collection method: clinical testing. Allele origin: germline.

Labcorp Genetics (formerly Invitae), Labcorp
Classification: Uncertain significance for Cataract 12 multiple types. Last evaluated: 2023-09-12. Review status: criteria provided, single submitter. Criteria: Invitae Variant Classification Sherloc (09022015). Collection method: clinical testing. Allele origin: germline.
Comment: This sequence change replaces leucine, which is neutral and non-polar, with glutamine, which is neutral and polar, at codon 153 of the BFSP2 protein (p.Leu153Gln). This variant is present in population databases (rs142404860, gnomAD 0.05%). This variant has not been reported in the literature in individuals affected with BFSP2-related conditions. ClinVar contains an entry for this variant (Variation ID: 2530179). In summary, the available evidence is currently insufficient to determine the role of this variant in disease. Therefore, it has been classified as a Variant of Uncertain Significance. Advanced modeling of protein sequence and biophysical properties (such as structural, functional, and spatial information, amino acid conservation, physicochemical variation, residue mobility, and thermodynamic stability) has been performed at Invitae for this missense variant, however the output from this modeling did not meet the statistical confidence thresholds required to predict the impact of this variant on BFSP2 protein function.